The following is an entry in ClinVar:

NM_144508.5(KNL1):c.1768G>T (p.Ala590Ser)

Gene: KNL1 (kinetochore scaffold 1; plus strand). Cytogenetic location: 15q15.1.
Variant type: single nucleotide variant.
Coding change: c.1768G>T on transcript NM_144508.5 (MANE Select); coding-DNA position 1768, G replaced by T.
Protein change: p.Ala590Ser; replaces alanine 590 with serine.
Molecular consequence: missense variant.
Genome position (GRCh38, 1-based): chr15:40,622,032, G>T. VCF-style: chr15-40622032-G-T. GRCh37 (hg19) VCF-style: chr15-40914230-G-T.
Other names: c.1846G>T, p.Ala616Ser (NM_170589.5); short protein forms A590S, A616S.
Identifiers: ClinVar variation 315849 (VCV000315849.35), dbSNP rs201334214, ClinGen allele CA7482725.

ClinVar aggregate classification (germline): Conflicting classifications of pathogenicity. Review status: criteria provided, conflicting classifications (1 of 4 stars). 6 submissions from 6 submitters: Uncertain significance (4); Likely benign (1). 1 of the submissions does not count toward it. Last evaluated 2023-12-01.

Conditions:
Inborn genetic diseases. Identifiers: MedGen C0950123, MeSH D030342.
Microcephaly 4, primary, autosomal recessive. Identifiers: Orphanet 2512, MedGen C1858516, MONDO:0011437, OMIM 604321.

Allele frequency attached by ClinVar (database versions not stated): gnomAD 0.00006 and 0.00025; 1000 Genomes Project 30x 0.00016; gnomAD exomes 0.00019 and 0.00038; 1000 Genomes Project 0.00020; ESP Exome Variant Server 0.00025; ExAC 0.00029; TOPMed 0.00035 and 0.00054.
gnomAD v4.1: 339 of 1,614,060 alleles (0.021%); highest among the groups gnomAD compares: Middle Eastern, 0.099%; no homozygotes.

Submissions (6):

CeGaT Center for Human Genetics Tuebingen
Classification: Uncertain significance. Last evaluated: 2023-12-01. Review status: criteria provided, single submitter. Criteria: CeGaT Center For Human Genetics Tuebingen Variant Classification Criteria Version 2. Collection method: clinical testing. Allele origin: germline. Affected: yes. Observed: 1 variant allele.
Comment: KNL1: PM2:Supporting, BP4

Ambry Genetics
Classification: Likely benign for Inborn genetic diseases. Last evaluated: 2021-06-18. Review status: criteria provided, single submitter. Criteria: Ambry Variant Classification Scheme 2023. Collection method: clinical testing. Allele origin: germline.

Illumina Laboratory Services, Illumina
Classification: Uncertain significance for Microcephaly 4, primary, autosomal recessive. Last evaluated: 2018-01-13. Review status: criteria provided, single submitter. Criteria: ICSL Variant Classification Criteria 13 December 2019. Collection method: clinical testing. Allele origin: germline.

Genetic Services Laboratory, University of Chicago
Classification: Uncertain significance. Last evaluated: 2016-04-25. Review status: criteria provided, single submitter. Criteria: ACMG Guidelines, 2015. Collection method: clinical testing. Allele origin: germline. Affected: no.

Breakthrough Genomics
Classification: Uncertain significance. Review status: criteria provided, single submitter. Criteria: ACMG Guidelines, 2015. Collection method: not provided. Allele origin: germline. Inheritance: Autosomal recessive inheritance. Affected: yes.

Service de Génétique Moléculaire, Hôpital Robert Debré
Classification: Likely benign for Microcephaly 4, primary, autosomal recessive. Review status: no assertion criteria provided. Collection method: clinical testing. Allele origin: unknown. Affected: yes. Not counted in ClinVar's aggregate classification.